The following is an entry in ClinVar:

ClinVar aggregate classification (germline): Uncertain significance. Review status: criteria provided, multiple submitters, no conflicts (2 of 4 stars). 3 submissions from 3 submitters: Uncertain significance (3). Last evaluated 2025-06-06.

Conditions:
Muscular dystrophy-dystroglycanopathy (congenital with brain and eye anomalies), type a, 11 (MDDGA11). Also called: Muscular dystrophy-dystroglycanopathy (congenital with brain and eye anomalies, type A, 11; Congenital muscular dystrophy-dystroglycanopathy with brain and eye anomalies, type A11; WALKER-WARBURG SYNDROME OR MUSCLE-EYE-BRAIN DISEASE, B3GALNT2-RELATED. Identifiers: Orphanet 588, Orphanet 899, MedGen C3554638, MONDO:0014071, OMIM 615181.

Allele frequency attached by ClinVar (database versions not stated): ExAC 0.00004; gnomAD 0.00005 and 0.00006; gnomAD exomes 0.00007; TOPMed 0.00010; ESP Exome Variant Server 0.00015.
gnomAD v4.1: 190 of 1,613,612 alleles (0.012%); highest among the groups gnomAD compares: Non-Finnish European, 0.015%; no homozygotes.

Submissions (3):

Women's Health and Genetics/Laboratory Corporation of America, LabCorp
Classification: Uncertain significance. Last evaluated: 2025-06-06. Review status: criteria provided, single submitter. Criteria: LabCorp Variant Classification Summary - May 2015. Collection method: clinical testing. Allele origin: germline.
Comment: Variant summary: B3GALNT2 c.574C>T (p.Arg192Cys) results in a non-conservative amino acid change in the encoded protein sequence. Algorithms developed to predict the effect of missense changes on protein structure and function are either unavailable or do not agree on the potential impact of this missense change. The variant allele was found at a frequency of 7.2e-05 in 250892 control chromosomes. This frequency is not significantly higher than estimated for a pathogenic variant in B3GALNT2 causing Muscular Dystrophy-Dystroglycanopathy (congenital With Brain And Eye Anomalies), Type A, 11, allowing no conclusion about variant significance. c.574C>T has been reported in the literature in individuals affected with intellectual disability (e.g. Hu_2018). This report does not provide unequivocal conclusions about association of the variant with Muscular Dystrophy-Dystroglycanopathy (congenital With Brain And Eye Anomalies), Type A, 11. To our knowledge, no experimental evidence demonstrating an impact on protein function has been reported. The following publication has been ascertained in the context of this evaluation (PMID: 29302074). ClinVar contains an entry for this variant (Variation ID: 846783). Based on the evidence outlined above, the variant was classified as uncertain significance.

Labcorp Genetics (formerly Invitae), Labcorp
Classification: Uncertain significance for Muscular dystrophy-dystroglycanopathy (congenital with brain and eye anomalies), type a, 11. Last evaluated: 2022-09-26. Review status: criteria provided, single submitter. Criteria: Invitae Variant Classification Sherloc (09022015). Collection method: clinical testing. Allele origin: germline.
Comment: This sequence change replaces arginine, which is basic and polar, with cysteine, which is neutral and slightly polar, at codon 192 of the B3GALNT2 protein (p.Arg192Cys). This variant is present in population databases (rs144258088, gnomAD 0.01%). This missense change has been observed in individual(s) with intellectual disability (PMID: 29302074). ClinVar contains an entry for this variant (Variation ID: 846783). Advanced modeling of protein sequence and biophysical properties (such as structural, functional, and spatial information, amino acid conservation, physicochemical variation, residue mobility, and thermodynamic stability) performed at Invitae indicates that this missense variant is not expected to disrupt B3GALNT2 protein function. In summary, the available evidence is currently insufficient to determine the role of this variant in disease. Therefore, it has been classified as a Variant of Uncertain Significance.

GeneDx
Classification: Uncertain significance. Last evaluated: 2021-12-01. Review status: criteria provided, single submitter. Criteria: GeneDx Variant Classification Process June 2021. Collection method: clinical testing. Allele origin: germline. Affected: yes.
Comment: Not observed at significant frequency in large population cohorts (Lek et al., 2016); In silico analysis supports that this missense variant has a deleterious effect on protein structure/function; This variant is associated with the following publications: (PMID: 29302074)

Literature cited by the submitters: PubMed 29302074 (cited by Women's Health and Genetics/Laboratory Corporation of America, LabCorp and Labcorp Genetics (formerly Invitae), Labcorp).

NM_152490.5(B3GALNT2):c.574C>T (p.Arg192Cys)

Gene: B3GALNT2 (beta-1,3-N-acetylgalactosaminyltransferase 2; minus strand). Cytogenetic location: 1q42.3.
Variant type: single nucleotide variant.
Coding change: c.574C>T on transcript NM_152490.5 (MANE Select); coding-DNA position 574, C replaced by T.
Protein change: p.Arg192Cys; replaces arginine 192 with cysteine.
Molecular consequence: missense variant.
Genome position (GRCh38, 1-based): chr1:235,480,131, G>A on the plus strand (C>T on the coding strand, the complement: B3GALNT2 is on the minus strand). VCF-style: chr1-235480131-G-A. GRCh37 (hg19) VCF-style: chr1-235643447-G-A.
Other names: c.697C>T, p.Arg233Cys (NM_001277155.3); short protein forms R192C, R233C.
Identifiers: ClinVar variation 846783 (VCV000846783.7), dbSNP rs144258088, ClinGen allele CA1464870.